The following is an entry in ClinVar:

ClinVar aggregate classification (germline): Uncertain significance. Review status: criteria provided, multiple submitters, no conflicts (2 of 4 stars). 2 submissions from 2 submitters: Uncertain significance (2). Last evaluated 2024-11-21.

Conditions:
Spastic paraplegia. Identifiers: MedGen C0037772, HP:0001258.
Inborn genetic diseases. Identifiers: MedGen C0950123, MeSH D030342.

Allele frequency attached by ClinVar (database versions not stated): gnomAD exomes 0.00001; ExAC 0.00003; gnomAD 0.00007; TOPMed 0.00008; ESP Exome Variant Server 0.00015.
gnomAD v4.1: 28 of 1,614,006 alleles (0.0017%); highest among the groups gnomAD compares: African/African-American, 0.023%; no homozygotes.

Submissions (2):

Labcorp Genetics (formerly Invitae), Labcorp
Classification: Uncertain significance for Spastic paraplegia. Last evaluated: 2024-11-21. Review status: criteria provided, single submitter. Criteria: Invitae Variant Classification Sherloc (09022015). Collection method: clinical testing. Allele origin: germline.
Comment: This sequence change replaces arginine, which is basic and polar, with tryptophan, which is neutral and slightly polar, at codon 1476 of the ZFYVE26 protein (p.Arg1476Trp). This variant is present in population databases (rs145777078, gnomAD 0.02%). This variant has not been reported in the literature in individuals affected with ZFYVE26-related conditions. ClinVar contains an entry for this variant (Variation ID: 2251174). An algorithm developed to predict the effect of missense changes on protein structure and function (PolyPhen-2) suggests that this variant is likely to be disruptive. In summary, the available evidence is currently insufficient to determine the role of this variant in disease. Therefore, it has been classified as a Variant of Uncertain Significance.

Ambry Genetics
Classification: Uncertain significance for Inborn genetic diseases. Last evaluated: 2021-09-17. Review status: criteria provided, single submitter. Criteria: Ambry Variant Classification Scheme 2023. Collection method: clinical testing. Allele origin: germline.

NM_015346.4(ZFYVE26):c.4426C>T (p.Arg1476Trp)

Gene: ZFYVE26 (zinc finger FYVE-type containing 26; minus strand). Cytogenetic location: 14q24.1.
Variant type: single nucleotide variant.
Coding change: c.4426C>T on transcript NM_015346.4 (MANE Select); coding-DNA position 4426, C replaced by T.
Protein change: p.Arg1476Trp; replaces arginine 1476 with tryptophan.
Molecular consequence: missense variant.
Genome position (GRCh38, 1-based): chr14:67,781,476, G>A on the plus strand (C>T on the coding strand, the complement: ZFYVE26 is on the minus strand). VCF-style: chr14-67781476-G-A. GRCh37 (hg19) VCF-style: chr14-68248193-G-A.
Other names: short protein forms R1476W.
Identifiers: ClinVar variation 2251174 (VCV002251174.4), dbSNP rs145777078, ClinGen allele CA7239765.